The following is an entry in ClinVar:

NC_000001.11:g.230702983G>C

Gene: AGT (angiotensinogen; minus strand). Cytogenetic location: 1q42.2.
Variant type: single nucleotide variant.
Genome position: GRCh38 VCF-style: chr1-230702983-G-C. GRCh37 (hg19) VCF-style: chr1-230838729-G-C.
Other names: NM_000029.3:c.*158C>G.
Identifiers: ClinVar variation 875821 (VCV000875821.5), dbSNP rs4753, ClinGen allele CA38863298.

ClinVar aggregate classification (germline): Benign. Review status: criteria provided, multiple submitters, no conflicts (2 of 4 stars). 2 submissions from 2 submitters: Benign (2). Last evaluated 2017-04-27.

Conditions:
Renal tubular dysgenesis. Also called: Renotubular dysgenesis. Identifiers: Orphanet 3033, MedGen C0266313, MONDO:0017609, HP:0008660.

Allele frequency attached by ClinVar (database versions not stated): TOPMed 0.00704; 1000 Genomes Project 0.00819; 1000 Genomes Project 30x 0.00937.
gnomAD v4.1: 2,607 of 796,820 alleles (0.33%); highest among the groups gnomAD compares: African/African-American, 1.9%; 24 homozygotes.

Submissions (2):

Illumina Laboratory Services, Illumina
Classification: Benign for Renal tubular dysgenesis of genetic origin. Last evaluated: 2017-04-27. Review status: criteria provided, single submitter. Criteria: ICSL Variant Classification Criteria 13 December 2019. Collection method: clinical testing. Allele origin: germline.
Comment: This variant was observed as part of a predisposition screen in an ostensibly healthy population. A literature search was performed for the gene, cDNA change, and amino acid change (where applicable). No publications were found based on this search. Allele frequency data from public databases was too high to be consistent with this variant causing disease. Therefore, this variant is classified as benign.

Breakthrough Genomics
Classification: Benign. Review status: criteria provided, single submitter. Criteria: ACMG Guidelines, 2015. Collection method: not provided. Allele origin: germline. Inheritance: Multifactorial inheritance. Affected: yes.